The following is an entry in ClinVar:

NM_001367943.1(TCF7L2):c.552+49326C>A

Gene: TCF7L2 (transcription factor 7 like 2; plus strand). Cytogenetic location: 10q25.2.
Variant type: single nucleotide variant.
Coding change: c.552+49326C>A on transcript NM_001367943.1 (MANE Select); 49326 bases into the intron after coding-DNA position 552, C replaced by A.
Molecular consequence: intron variant. On other transcripts: missense variant (1).
Genome position (GRCh38, 1-based): chr10:113,089,452, C>A. VCF-style: chr10-113089452-C-A. GRCh37 (hg19) VCF-style: chr10-114849211-C-A.
Other names: c.536C>A, p.Pro179His (NM_001146283.2); c.552+49326C>A (NM_001363501.2, NM_001146274.2, NM_001198531.2); c.483+49326C>A (NM_001198525.2, NM_001198528.2, NM_030756.5 and 6 more transcripts); c.382-51732C>A (NM_001198530.2); short protein forms P179H.
Identifiers: ClinVar variation 3770619 (VCV003770619.13).

ClinVar aggregate classification (germline): Likely benign (1 of 4 stars; one submission).

gnomAD v4.1: 196 of 1,613,760 alleles (0.012%); highest among the groups gnomAD compares: Middle Eastern, 0.033%; 1 homozygote.

Submission:

CeGaT Center for Human Genetics Tuebingen
Classification: Likely benign. Last evaluated: 2025-05-01. Review status: criteria provided, single submitter. Criteria: CeGaT Center For Human Genetics Tuebingen Variant Classification Criteria Version 2. Collection method: clinical testing. Allele origin: germline. Affected: yes. Observed: 2 variant alleles.
Comment: TCF7L2: PP3, BS1